The following is an entry in ClinVar:

NM_001853.4(COL9A3):c.1405G>A (p.Gly469Ser)

Genes: COL9A3 (collagen type IX alpha 3 chain; plus strand), LOC126863084 (MED14-independent group 3 enhancer GRCh37_chr20:61467141-61468340; plus strand). Cytogenetic location: 20q13.33.
Variant type: single nucleotide variant.
Coding change: c.1405G>A on transcript NM_001853.4 (MANE Select); coding-DNA position 1405, G replaced by A.
Protein change: p.Gly469Ser; replaces glycine 469 with serine.
Molecular consequence: missense variant.
Genome position (GRCh38, 1-based): chr20:62,836,190, G>A. VCF-style: chr20-62836190-G-A. GRCh37 (hg19) VCF-style: chr20-61467542-G-A.
Other names: short protein forms G469S.
Identifiers: ClinVar variation 3367981 (VCV003367981.2).

ClinVar aggregate classification (germline): Uncertain significance. Review status: criteria provided, multiple submitters, no conflicts (2 of 4 stars). 2 submissions from 2 submitters: Uncertain significance (2). Last evaluated 2025-05-22.

Submissions (2):

Labcorp Genetics (formerly Invitae), Labcorp
Classification: Uncertain significance. Last evaluated: 2025-05-22. Review status: criteria provided, single submitter. Criteria: Invitae Variant Classification Sherloc (09022015). Collection method: clinical testing. Allele origin: germline.
Comment: This sequence change replaces glycine, which is neutral and non-polar, with serine, which is neutral and polar, at codon 469 of the COL9A3 protein (p.Gly469Ser). This variant is not present in population databases (gnomAD no frequency). This variant has not been reported in the literature in individuals affected with COL9A3-related conditions. ClinVar contains an entry for this variant (Variation ID: 3367981). Invitae Evidence Modeling of protein sequence and biophysical properties (such as structural, functional, and spatial information, amino acid conservation, physicochemical variation, residue mobility, and thermodynamic stability) indicates that this missense variant is expected to disrupt COL9A3 protein function with a positive predictive value of 95%. In summary, the available evidence is currently insufficient to determine the role of this variant in disease. Therefore, it has been classified as a Variant of Uncertain Significance.

GeneDx
Classification: Uncertain significance. Last evaluated: 2024-01-17. Review status: criteria provided, single submitter. Criteria: GeneDx Variant Classification Process June 2021. Collection method: clinical testing. Allele origin: germline. Affected: yes.
Comment: Not observed at significant frequency in large population cohorts (gnomAD); In silico analysis supports that this missense variant has a deleterious effect on protein structure/function; Has not been previously published as pathogenic or benign to our knowledge